The following is an entry in ClinVar:

ClinVar aggregate classification (germline): Uncertain significance (1 of 4 stars; one submission).

Allele frequency attached by ClinVar (database versions not stated): TOPMed below 0.00001.

Submission:

Labcorp Genetics (formerly Invitae), Labcorp
Classification: Uncertain significance. Last evaluated: 2021-12-02. Review status: criteria provided, single submitter. Criteria: Invitae Variant Classification Sherloc (09022015). Collection method: clinical testing. Allele origin: germline.
Comment: This variant has not been reported in the literature in individuals affected with COL18A1-related conditions. In summary, the available evidence is currently insufficient to determine the role of this variant in disease. Therefore, it has been classified as a Variant of Uncertain Significance. Variants that disrupt the consensus splice site are a relatively common cause of aberrant splicing (PMID: 17576681, 9536098). Experimental studies and prediction algorithms are not available or were not evaluated, and the effect of this variant on mRNA splicing is currently unknown. This variant is not present in population databases (gnomAD no frequency). This sequence change affects codon 836 of the COL18A1 mRNA. It is a 'silent' change, meaning that it does not change the encoded amino acid sequence of the COL18A1 protein. This variant also falls at the last nucleotide of exon 29, which is part of the consensus splice site for this exon.

Literature cited by the submitters: PubMed 17576681; PubMed 9536098.

NM_001379500.1(COL18A1):c.2508G>A (p.Arg836=)

Gene: COL18A1 (collagen type XVIII alpha 1 chain; plus strand). Cytogenetic location: 21q22.3.
Variant type: single nucleotide variant.
Coding change: c.2508G>A on transcript NM_001379500.1 (MANE Select); coding-DNA position 2508, G replaced by A.
Protein change: p.Arg836=; no amino-acid change (arginine 836 retained).
Molecular consequence: synonymous variant.
Genome position (GRCh38, 1-based): chr21:45,495,432, G>A. VCF-style: chr21-45495432-G-A. GRCh37 (hg19) VCF-style: chr21-46915346-G-A.
Other names: c.3048G>A, p.Arg1016= (NM_030582.4); c.3753G>A, p.Arg1251= (NM_130444.3).
Identifiers: ClinVar variation 1484758 (VCV001484758.4), dbSNP rs2036496883, ClinGen allele CA512686822.